The following is an entry in ClinVar:

NM_001167.4(XIAP):c.492A>T (p.Glu164Asp)

Gene: XIAP (X-linked inhibitor of apoptosis; plus strand). Cytogenetic location: Xq25.
Variant type: single nucleotide variant.
Coding change: c.492A>T on transcript NM_001167.4 (MANE Select); coding-DNA position 492, A replaced by T.
Protein change: p.Glu164Asp; replaces glutamic acid 164 with aspartic acid.
Molecular consequence: missense variant.
Genome position (GRCh38, 1-based): chrX:123,886,154, A>T. VCF-style: chrX-123886154-A-T. GRCh37 (hg19) VCF-style: chrX-123020004-A-T.
Other names: c.492A>T, p.Glu164Asp (NM_001204401.2, NM_001378590.1, NM_001378591.1 and 1 more transcripts); short protein forms E164D.
Identifiers: ClinVar variation 2836768 (VCV002836768.3), dbSNP rs1442177442, ClinGen allele CA414123787.

ClinVar aggregate classification (germline): Uncertain significance (1 of 4 stars; one submission).

Conditions:
X-linked lymphoproliferative disease due to XIAP deficiency. Also called: XIAP-Related Lymphoproliferative Disease, X-Linked; XIAP DEFICIENCY. Identifiers: Orphanet 2442, Orphanet 538934, MedGen C1845076, MONDO:0010385, OMIM 300635.

Submission:

Labcorp Genetics (formerly Invitae), Labcorp
Classification: Uncertain significance for X-linked lymphoproliferative disease due to XIAP deficiency. Last evaluated: 2023-02-13. Review status: criteria provided, single submitter. Criteria: Invitae Variant Classification Sherloc (09022015). Collection method: clinical testing. Allele origin: germline.
Comment: In summary, the available evidence is currently insufficient to determine the role of this variant in disease. Therefore, it has been classified as a Variant of Uncertain Significance. Advanced modeling of protein sequence and biophysical properties (such as structural, functional, and spatial information, amino acid conservation, physicochemical variation, residue mobility, and thermodynamic stability) performed at Invitae indicates that this missense variant is not expected to disrupt XIAP protein function. This variant has not been reported in the literature in individuals affected with XIAP-related conditions. This variant is present in population databases (no rsID available, gnomAD 0.001%), including at least one homozygous and/or hemizygous individual. This sequence change replaces glutamic acid, which is acidic and polar, with aspartic acid, which is acidic and polar, at codon 164 of the XIAP protein (p.Glu164Asp).